The following is an entry in ClinVar:

ClinVar aggregate classification (germline): Uncertain significance. Review status: criteria provided, multiple submitters, no conflicts (2 of 4 stars). 2 submissions from 2 submitters: Uncertain significance (2). Last evaluated 2025-08-01.

Conditions:
Nephronophthisis 14 (NPHP14). Identifiers: Orphanet 2318, MedGen C3539071, MONDO:0013916, OMIM 614844.

Allele frequency attached by ClinVar (database versions not stated): gnomAD exomes 0.00001; ExAC 0.00002.

Submissions (2):

Ambry Genetics
Classification: Uncertain significance. Last evaluated: 2025-08-01. Review status: criteria provided, single submitter. Criteria: Ambry Variant Classification Scheme 2023. Collection method: clinical testing. Allele origin: germline.

Labcorp Genetics (formerly Invitae), Labcorp
Classification: Uncertain significance for Nephronophthisis 14. Last evaluated: 2021-03-27. Review status: criteria provided, single submitter. Criteria: Invitae Variant Classification Sherloc (09022015). Collection method: clinical testing. Allele origin: germline.
Comment: This variant has not been reported in the literature in individuals with ZNF423-related conditions. This variant is present in population databases (rs753806781, ExAC 0.003%). This sequence change replaces arginine with cysteine at codon 149 of the ZNF423 protein (p.Arg149Cys). The arginine residue is highly conserved and there is a large physicochemical difference between arginine and cysteine. Algorithms developed to predict the effect of missense changes on protein structure and function are either unavailable or do not agree on the potential impact of this missense change (SIFT: "Deleterious"; PolyPhen-2: "Probably Damaging"; Align-GVGD: "Class C0"). In summary, the available evidence is currently insufficient to determine the role of this variant in disease. Therefore, it has been classified as a Variant of Uncertain Significance.

NM_001379286.1(ZNF423):c.469C>T (p.Arg157Cys)

Gene: ZNF423 (zinc finger protein 423; minus strand). Cytogenetic location: 16q12.1.
Variant type: single nucleotide variant.
Coding change: c.469C>T on transcript NM_001379286.1 (MANE Select); coding-DNA position 469, C replaced by T.
Protein change: p.Arg157Cys; replaces arginine 157 with cysteine.
Molecular consequence: missense variant.
Genome position (GRCh38, 1-based): chr16:49,638,707, G>A on the plus strand (C>T on the coding strand, the complement: ZNF423 is on the minus strand). VCF-style: chr16-49638707-G-A. GRCh37 (hg19) VCF-style: chr16-49672618-G-A.
Other names: c.265C>T, p.Arg89Cys (NM_001271620.2); c.94C>T, p.Arg32Cys (NM_001330533.2); c.445C>T, p.Arg149Cys (NM_015069.5); c.445C>T (NM_015069.2); short protein forms R157C, R32C, R149C, R89C.
Identifiers: ClinVar variation 1476802 (VCV001476802.9), dbSNP rs753806781, ClinGen allele CA8046868.